The following is an entry in ClinVar:

ClinVar aggregate classification (germline): Uncertain significance. Review status: criteria provided, multiple submitters, no conflicts (2 of 4 stars). 2 submissions from 2 submitters: Uncertain significance (2). Last evaluated 2026-02-20.

Conditions:
Hereditary cancer-predisposing syndrome. Also called: Neoplastic Syndromes, Hereditary; Hereditary Cancer Syndrome; Hereditary neoplastic syndrome; Tumor predisposition. Identifiers: Orphanet 140162, MedGen C0027672, MeSH D009386, MONDO:0015356.
Gastrointestinal stromal tumor. Also called: Gastrointestinal stromal tumor, somatic; Gastrointestinal stroma tumor. Identifiers: Orphanet 44890, MedGen C0238198, MeSH D046152, MONDO:0011719, OMIM 606764, HP:0100723.

Submissions (2):

Ambry Genetics
Classification: Uncertain significance for Hereditary cancer-predisposing syndrome. Last evaluated: 2026-02-20. Review status: criteria provided, single submitter. Criteria: Ambry Variant Classification Scheme 2023. Collection method: clinical testing. Allele origin: germline.
Comment: The p.R804L variant (also known as c.2411G>T), located in coding exon 17 of the KIT gene, results from a G to T substitution at nucleotide position 2411. The arginine at codon 804 is replaced by leucine, an amino acid with dissimilar properties. This amino acid position is well conserved in available vertebrate species. In addition, this alteration is predicted to be deleterious by in silico analysis. Based on the available evidence, the clinical significance of this variant remains unclear.

Labcorp Genetics (formerly Invitae), Labcorp
Classification: Uncertain significance for Gastrointestinal stromal tumor. Last evaluated: 2024-03-06. Review status: criteria provided, single submitter. Criteria: Invitae Variant Classification Sherloc (09022015). Collection method: clinical testing. Allele origin: germline.
Comment: This sequence change replaces arginine, which is basic and polar, with leucine, which is neutral and non-polar, at codon 804 of the KIT protein (p.Arg804Leu). This variant is not present in population databases (gnomAD no frequency). This variant has not been reported in the literature in individuals affected with KIT-related conditions. An algorithm developed to predict the effect of missense changes on protein structure and function (PolyPhen-2) suggests that this variant is likely to be disruptive. In summary, the available evidence is currently insufficient to determine the role of this variant in disease. Therefore, it has been classified as a Variant of Uncertain Significance.

NM_000222.3(KIT):c.2411G>T (p.Arg804Leu)

Gene: KIT (KIT proto-oncogene, receptor tyrosine kinase; plus strand). Cytogenetic location: 4q12.
Variant type: single nucleotide variant.
Coding change: c.2411G>T on transcript NM_000222.3 (MANE Select); coding-DNA position 2411, G replaced by T.
Protein change: p.Arg804Leu; replaces arginine 804 with leucine.
Molecular consequence: missense variant.
Genome position (GRCh38, 1-based): chr4:54,733,119, G>T. VCF-style: chr4-54733119-G-T. GRCh37 (hg19) VCF-style: chr4-55599285-G-T.
Other names: c.2399G>T, p.Arg800Leu (NM_001093772.2, NM_001385292.1); c.2414G>T, p.Arg805Leu (NM_001385284.1); c.2408G>T, p.Arg803Leu (NM_001385285.1); c.2396G>T, p.Arg799Leu (NM_001385286.1); c.2402G>T, p.Arg801Leu (NM_001385288.1); c.2411G>T, p.Arg804Leu (NM_001385290.1); short protein forms R800L, R803L, R805L, R804L, R799L, R801L.
Identifiers: ClinVar variation 3024035 (VCV003024035.4), dbSNP rs777616126, ClinGen allele CA356911635.